The following is an entry in ClinVar:

NM_006432.5(NPC2):c.140G>T (p.Cys47Phe)

Gene: NPC2 (NPC intracellular cholesterol transporter 2; minus strand). Cytogenetic location: 14q24.3.
Variant type: single nucleotide variant.
Coding change: c.140G>T on transcript NM_006432.5 (MANE Select); coding-DNA position 140, G replaced by T.
Protein change: p.Cys47Phe; replaces cysteine 47 with phenylalanine.
Molecular consequence: missense variant.
Genome position (GRCh38, 1-based): chr14:74,486,379, C>A on the plus strand (G>T on the coding strand, the complement: NPC2 is on the minus strand). VCF-style: chr14-74486379-C-A. GRCh37 (hg19) VCF-style: chr14-74953082-C-A.
Other names: c.140G>T, p.Cys47Phe (NM_001363688.1, NM_001375440.1); short protein forms C47F.
Identifiers: ClinVar variation 549984 (VCV000549984.7), dbSNP rs1555345993, ClinGen allele CA390532736.

ClinVar aggregate classification (germline): Uncertain significance. Review status: criteria provided, single submitter (1 of 4 stars). 2 submissions from 2 submitters: Uncertain significance (1). 1 of the submissions does not count toward it. Last evaluated 2024-10-17.

Conditions:
Niemann-Pick disease, type C2 (NPC2). Identifiers: Orphanet 646, MedGen C1843366, MONDO:0011873, OMIM 607625.

Submissions (2):

Labcorp Genetics (formerly Invitae), Labcorp
Classification: Uncertain significance for Niemann-Pick disease, type C2. Last evaluated: 2024-10-17. Review status: criteria provided, single submitter. Criteria: Invitae Variant Classification Sherloc (09022015). Collection method: clinical testing. Allele origin: germline.
Comment: This sequence change replaces cysteine, which is neutral and slightly polar, with phenylalanine, which is neutral and non-polar, at codon 47 of the NPC2 protein (p.Cys47Phe). This variant is not present in population databases (gnomAD no frequency). This missense change has been observed in individual(s) with Niemann-Pick Type C disease (PMID: 12955717). ClinVar contains an entry for this variant (Variation ID: 549984). An algorithm developed to predict the effect of missense changes on protein structure and function (PolyPhen-2) suggests that this variant is likely to be disruptive. Experimental studies have shown that this missense change affects NPC2 function (PMID: 15937921, 17470133). In summary, the available evidence is currently insufficient to determine the role of this variant in disease. Therefore, it has been classified as a Variant of Uncertain Significance.

Counsyl
Classification: Uncertain significance for Niemann-Pick disease, type C2. Last evaluated: 2017-04-21. Review status: no assertion criteria provided. Collection method: clinical testing. Allele origin: unknown. Not counted in ClinVar's aggregate classification.

Literature cited by the submitters: PubMed 12955717 (cited by Labcorp Genetics (formerly Invitae), Labcorp and Counsyl); PubMed 15937921 (cited by Labcorp Genetics (formerly Invitae), Labcorp and Counsyl); PubMed 17470133 (cited by Labcorp Genetics (formerly Invitae), Labcorp); PubMed 26206375 (cited by Counsyl).